The following is an entry in ClinVar:

NM_007294.4(BRCA1):c.1762dup (p.Ser588fs)

Gene: BRCA1 (BRCA1 DNA repair associated; minus strand). Cytogenetic location: 17q21.31.
Variant type: Duplication.
Coding change: c.1762dup on transcript NM_007294.4 (MANE Select); coding-DNA position 1762, one base duplicated (A; older notation c.1762dupA).
Protein change: p.Ser588fs; shifts the reading frame from serine 588.
Molecular consequence: frameshift variant. On other transcripts: intron variant (137).
Genome position (GRCh38, 1-based): chr17:43,093,769, T duplicated on the plus strand (A on the coding strand, the reverse complement: BRCA1 is on the minus strand); the first of 2 consecutive T bases (chr17:43,093,769-43,093,770); duplicating either gives the same sequence. VCF-style (leftmost placement, unchanged base first): chr17-43093768-C-CT. GRCh37 (hg19) VCF-style: chr17-41245785-C-CT.
Other names: 1881_1882insA; c.1762dup, p.Ser588fs (NM_007294.3, NM_001407581.1, NM_001407582.1 and 31 more transcripts); c.643+975dup (NM_001408462.1, NM_001408470.1, NM_001408464.1 and 3 more transcripts); c.709+975dup (NM_001408414.1, NM_001408411.1, NM_001408415.1 and 2 more transcripts); c.577+975dup (NM_001408514.1, NM_001408485.1, NM_001408483.1 and 9 more transcripts); c.661+975dup (NM_001408447.1, NM_001408433.1, NM_001408446.1 and 6 more transcripts); c.784+975dup (NM_001408400.1, NM_001408392.1, NM_001407986.1 and 13 more transcripts); c.664+975dup (NM_001408441.1, NM_001408437.1, NM_001408429.1 and 12 more transcripts); and 41 more; short protein forms S541fs, S588fs, S476fs, S499fs, S518fs, S561fs, S292fs, S420fs.
Identifiers: ClinVar variation 266185 (VCV000266185.6), dbSNP rs886039966, ClinGen allele CA10589921.

ClinVar aggregate classification (germline): Pathogenic. Review status: reviewed by expert panel (3 of 4 stars). 2 submissions from 2 submitters: Pathogenic (1). 1 of the submissions does not count toward it. Last evaluated 2016-10-18.

Conditions:
Breast-ovarian cancer, familial, susceptibility to, 1 (BROVCA1). Also called: BRCA1 Hereditary Breast and Ovarian Cancer; OVARIAN CANCER, SUSCEPTIBILITY TO. Identifiers: Orphanet 145, MedGen C2676676, MONDO:0011450, OMIM 604370. Disease mechanism: loss of function.

Submissions (2):

Evidence-based Network for the Interpretation of Germline Mutant Alleles (ENIGMA)
Classification: Pathogenic for Breast-ovarian cancer, familial, susceptibility to, 1. Last evaluated: 2016-10-18. Review status: reviewed by expert panel. Criteria: ENIGMA BRCA1/2 Classification Criteria (2015). Collection method: curation. Allele origin: germline.
Comment: Variant allele predicted to encode a truncated non-functional protein.

Consortium of Investigators of Modifiers of BRCA1/2 (CIMBA), c/o University of Cambridge
Classification: Pathogenic for Breast-ovarian cancer, familial, susceptibility to, 1. Last evaluated: 2015-10-02. Review status: criteria provided, single submitter. Criteria: CIMBA Mutation Classification guidelines May 2016. Collection method: clinical testing. Allele origin: germline. Not counted in ClinVar's aggregate classification.